The following is an entry in ClinVar:

NM_001005242.3(PKP2):c.482A>G (p.Tyr161Cys)

Gene: PKP2 (plakophilin 2; minus strand). Cytogenetic location: 12p11.21.
Variant type: single nucleotide variant.
Coding change: c.482A>G on transcript NM_001005242.3 (MANE Select); coding-DNA position 482, A replaced by G.
Protein change: p.Tyr161Cys; replaces tyrosine 161 with cysteine.
Molecular consequence: missense variant.
Genome position (GRCh38, 1-based): chr12:32,878,398, T>C on the plus strand (A>G on the coding strand, the complement: PKP2 is on the minus strand). VCF-style: chr12-32878398-T-C. GRCh37 (hg19) VCF-style: chr12-33031332-T-C.
Other names: c.155A>G, p.Tyr52Cys (NM_001407159.1, NM_001407160.1, NM_001407162.1 and 1 more transcripts); c.482A>G, p.Tyr161Cys (NM_001407161.1, NM_004572.4, NM_001407155.1 and 2 more transcripts); short protein forms Y161C, Y52C.
Identifiers: ClinVar variation 2158073 (VCV002158073.4), dbSNP rs775789180, ClinGen allele CA037575.

ClinVar aggregate classification (germline): Uncertain significance (1 of 4 stars; one submission).

Conditions:
Arrhythmogenic right ventricular dysplasia 9 (ARVD9). Also called: Arrhythmogenic Right Ventricular Dysplasia/Cardiomyopathy 9; ARRHYTHMOGENIC RIGHT VENTRICULAR DYSPLASIA, FAMILIAL, 9. Identifiers: MedGen C1836906, MONDO:0012180, OMIM 609040.

Allele frequency attached by ClinVar (database versions not stated): ExAC 0.00001.

Submission:

Labcorp Genetics (formerly Invitae), Labcorp
Classification: Uncertain significance for Arrhythmogenic right ventricular dysplasia 9. Last evaluated: 2025-08-21. Review status: criteria provided, single submitter. Criteria: Invitae Variant Classification Sherloc (09022015). Collection method: clinical testing. Allele origin: germline.
Comment: This sequence change replaces tyrosine, which is neutral and polar, with cysteine, which is neutral and slightly polar, at codon 161 of the PKP2 protein (p.Tyr161Cys). This variant is present in population databases (rs775789180, gnomAD no frequency). This variant has not been reported in the literature in individuals affected with PKP2-related conditions. ClinVar contains an entry for this variant (Variation ID: 2158073). An algorithm developed to predict the effect of missense changes on protein structure and function (PolyPhen-2) suggests that this variant is likely to be disruptive. In summary, the available evidence is currently insufficient to determine the role of this variant in disease. Therefore, it has been classified as a Variant of Uncertain Significance.